The following is an entry in ClinVar:

NM_015557.3(CHD5):c.2297G>A (p.Arg766His)

Gene: CHD5 (chromodomain helicase DNA binding protein 5; minus strand). Cytogenetic location: 1p36.31.
Variant type: single nucleotide variant.
Coding change: c.2297G>A on transcript NM_015557.3 (MANE Select); coding-DNA position 2297, G replaced by A.
Protein change: p.Arg766His; replaces arginine 766 with histidine.
Molecular consequence: missense variant.
Genome position (GRCh38, 1-based): chr1:6,142,267, C>T on the plus strand (G>A on the coding strand, the complement: CHD5 is on the minus strand). VCF-style: chr1-6142267-C-T. GRCh37 (hg19) VCF-style: chr1-6202327-C-T.
Other names: short protein forms R766H.
Identifiers: ClinVar variation 1468513 (VCV001468513.6), dbSNP rs1666840312, ClinGen allele CA338080174.

ClinVar aggregate classification (germline): Uncertain significance (1 of 4 stars; one submission).

Allele frequency attached by ClinVar (database versions not stated): gnomAD 0.00001.
gnomAD v4.1: 1 of 1,613,766 alleles (0.000062%); highest among the groups gnomAD compares: Non-Finnish European, 0.000085%; no homozygotes.

Submission:

Labcorp Genetics (formerly Invitae), Labcorp
Classification: Uncertain significance. Last evaluated: 2021-10-15. Review status: criteria provided, single submitter. Criteria: Invitae Variant Classification Sherloc (09022015). Collection method: clinical testing. Allele origin: germline.
Comment: In summary, the available evidence is currently insufficient to determine the role of this variant in disease. Therefore, it has been classified as a Variant of Uncertain Significance. Algorithms developed to predict the effect of missense changes on protein structure and function (SIFT, PolyPhen-2, Align-GVGD) all suggest that this variant is likely to be disruptive. This variant has not been reported in the literature in individuals affected with CHD5-related conditions. This variant is not present in population databases (ExAC no frequency). This sequence change replaces arginine with histidine at codon 766 of the CHD5 protein (p.Arg766His). The arginine residue is highly conserved and there is a small physicochemical difference between arginine and histidine.